The following is an entry in ClinVar:

NM_001385125.1(OPN1SW):c.688CAG[2] (p.Gln232del)

Gene: OPN1SW (opsin 1, short wave sensitive; minus strand). Cytogenetic location: 7q32.1.
Variant type: Microsatellite.
Coding change: c.688CAG[2] on transcript NM_001385125.1 (MANE Select); two copies in a row of the 3-base unit CAG starting at c.688; the reference has three copies in a row; one copy, 3 bases deleted.
Protein change: p.Gln232del; deletes glutamine 232.
Molecular consequence: inframe deletion.
Genome position (GRCh38, 1-based): chr7:128,773,871-128,773,873, CTG deleted on the plus strand (CAG on the coding strand, the reverse complement: OPN1SW is on the minus strand); deleting any 3 consecutive bases within chr7:128,773,871-128,773,879 gives the same sequence; the position shown is the placement nearest the transcript's 3' end. VCF-style (leftmost placement, unchanged base first): chr7-128773870-CCTG-C. GRCh37 (hg19) VCF-style: chr7-128413924-CCTG-C.
Other names: short protein forms Q232del.
Identifiers: ClinVar variation 3608705 (VCV003608705.2).

ClinVar aggregate classification (germline): Uncertain significance (1 of 4 stars; one submission).

Submission:

Labcorp Genetics (formerly Invitae), Labcorp
Classification: Uncertain significance. Last evaluated: 2025-07-07. Review status: criteria provided, single submitter. Criteria: Invitae Variant Classification Sherloc (09022015). Collection method: clinical testing. Allele origin: germline.
Comment: This variant, c.703_705del, results in the deletion of 1 amino acid(s) of the OPN1SW protein (p.Gln235del), but otherwise preserves the integrity of the reading frame. This variant is present in population databases (rs750361396, gnomAD 0.007%). This variant has not been reported in the literature in individuals affected with OPN1SW-related conditions. Experimental studies and prediction algorithms are not available or were not evaluated, and the functional significance of this variant is currently unknown. In summary, the available evidence is currently insufficient to determine the role of this variant in disease. Therefore, it has been classified as a Variant of Uncertain Significance.